The following is an entry in ClinVar:

ClinVar aggregate classification (germline): Likely benign. Review status: criteria provided, multiple submitters, no conflicts (2 of 4 stars). 7 submissions from 7 submitters: Likely benign (5). 2 of the submissions do not count toward it. Last evaluated 2026-01-13.

Conditions:
PRKCD-related disorder. Also called: PRKCD-related condition.
Autoimmune lymphoproliferative syndrome, type III caused by mutation in PRKCD. Identifiers: Orphanet 3261, Orphanet 664711, MedGen C3809928, MONDO:8000024, OMIM 615559.

Allele frequency attached by ClinVar (database versions not stated): gnomAD exomes 0.00040; ExAC 0.00043; gnomAD 0.00050; TOPMed 0.00054; 1000 Genomes Project 0.00060; 1000 Genomes Project 30x 0.00062; ESP Exome Variant Server 0.00069.
gnomAD v4.1: 998 of 1,614,128 alleles (0.062%); highest among the groups gnomAD compares: Non-Finnish European, 0.077%; no homozygotes.

Submissions (7):

Labcorp Genetics (formerly Invitae), Labcorp
Classification: Likely benign for Autoimmune lymphoproliferative syndrome, type III caused by mutation in PRKCD. Last evaluated: 2026-01-13. Review status: criteria provided, single submitter. Criteria: Invitae Variant Classification Sherloc (09022015). Collection method: clinical testing. Allele origin: germline.

PreventionGenetics, part of Exact Sciences
Classification: Likely benign for PRKCD-related condition. Last evaluated: 2025-04-07. Review status: criteria provided, single submitter. Criteria: ACMG Guidelines, 2015. Collection method: clinical testing. Allele origin: germline.
Comment: This variant is classified as likely benign based on ACMG/AMP sequence variant interpretation guidelines (Richards et al. 2015 PMID: 25741868, with internal and published modifications).

Blueprint Genetics
Classification: Likely benign. Last evaluated: 2024-08-26. Review status: criteria provided, single submitter. Criteria: ACMG Guidelines, 2015. Collection method: clinical testing. Allele origin: germline.

CeGaT Center for Human Genetics Tuebingen
Classification: Likely benign. Last evaluated: 2023-10-01. Review status: criteria provided, single submitter. Criteria: CeGaT Center For Human Genetics Tuebingen Variant Classification Criteria Version 2. Collection method: clinical testing. Allele origin: germline. Affected: yes. Observed: 2 variant alleles.
Comment: PRKCD: BP4, BP7

ARUP Laboratories, Molecular Genetics and Genomics, ARUP Laboratories
Classification: Likely benign for Autoimmune lymphoproliferative syndrome, type III caused by mutation in PRKCD. Last evaluated: 2021-09-21. Review status: criteria provided, single submitter. Criteria: ARUP Molecular Germline Variant Investigation Process 2021. Collection method: clinical testing. Allele origin: germline.

Clinical Genetics DNA and cytogenetics Diagnostics Lab, Erasmus MC, Erasmus Medical Center
Classification: Likely benign. Review status: no assertion criteria provided. Collection method: clinical testing. Allele origin: germline. Affected: yes. Study: VKGL Data-share Consensus. Not counted in ClinVar's aggregate classification.

Genome Diagnostics Laboratory, University Medical Center Utrecht
Classification: Likely benign. Review status: no assertion criteria provided. Collection method: clinical testing. Allele origin: germline. Affected: yes. Study: VKGL Data-share Consensus. Not counted in ClinVar's aggregate classification.

NM_006254.4(PRKCD):c.1362C>T (p.Ala454=)

Gene: PRKCD (protein kinase C delta; plus strand). Cytogenetic location: 3p21.1.
Variant type: single nucleotide variant.
Coding change: c.1362C>T on transcript NM_006254.4 (MANE Select); coding-DNA position 1362, C replaced by T.
Protein change: p.Ala454=; no amino-acid change (alanine 454 retained).
Molecular consequence: synonymous variant.
Genome position (GRCh38, 1-based): chr3:53,187,349, C>T. VCF-style: chr3-53187349-C-T. GRCh37 (hg19) VCF-style: chr3-53221365-C-T.
Other names: c.1362C>T, p.Ala454= (LRG_1327t1, NM_001316327.2, NM_001354679.2 and 2 more transcripts); c.1419C>T, p.Ala473= (NM_001354676.2); c.1410C>T, p.Ala470= (NM_001354678.2).
Identifiers: ClinVar variation 541627 (VCV000541627.45), dbSNP rs41295962, ClinGen allele CA2452167.